The following is an entry in ClinVar:

ClinVar aggregate classification (germline): Pathogenic (1 of 4 stars; one submission).

Submission:

GeneDx
Classification: Pathogenic. Last evaluated: 2016-08-01. Review status: criteria provided, single submitter. Criteria: GeneDx Variant Classification (06012015). Collection method: clinical testing. Allele origin: germline. Affected: yes.
Comment: The Q2205X pathogenic variant in the CHD7 gene has not been reported previously as a pathogenic variant nor as a benign variant, to our knowledge. This variant is predicted to cause loss of normal protein function either through protein truncation or nonsense-mediated mRNA decay. The Q2205X variant was not observed in approximately 6,100 individuals of European and African American ancestry in the NHLBI Exome Sequencing Project, indicating it is not a common benign variant in these populations. We interpret Q2205X as a pathogenic variant.

NM_017780.4(CHD7):c.6613C>T (p.Gln2205Ter)

Gene: CHD7 (chromodomain helicase DNA binding protein 7; plus strand). Cytogenetic location: 8q12.2.
Variant type: single nucleotide variant.
Coding change: c.6613C>T on transcript NM_017780.4 (MANE Select); coding-DNA position 6613, C replaced by T.
Protein change: p.Gln2205Ter; replaces glutamine 2205 with a stop codon.
Molecular consequence: nonsense. On other transcripts: intron variant (1).
Genome position (GRCh38, 1-based): chr8:60,853,338, C>T. VCF-style: chr8-60853338-C-T. GRCh37 (hg19) VCF-style: chr8-61765897-C-T.
Other names: c.1717-8891C>T (NM_001316690.1); c.6613C>T (LRG_176t1); short protein forms Q2205*.
Identifiers: ClinVar variation 265638 (VCV000265638.2), dbSNP rs886039688, ClinGen allele CA10588460.